The following is an entry in ClinVar:

ClinVar aggregate classification (germline): Uncertain significance (1 of 4 stars; one submission).

gnomAD v4.1: 8 of 1,551,574 alleles (0.00052%); highest among the groups gnomAD compares: Non-Finnish European, 0.0007%; no homozygotes.

Submission:

Labcorp Genetics (formerly Invitae), Labcorp
Classification: Uncertain significance. Last evaluated: 2022-12-08. Review status: criteria provided, single submitter. Criteria: Invitae Variant Classification Sherloc (09022015). Collection method: clinical testing. Allele origin: germline.
Comment: This variant is not present in population databases (gnomAD no frequency). This variant has not been reported in the literature in individuals affected with TET2-related conditions. Algorithms developed to predict the effect of missense changes on protein structure and function (SIFT, PolyPhen-2, Align-GVGD) all suggest that this variant is likely to be tolerated. In summary, the available evidence is currently insufficient to determine the role of this variant in disease. Therefore, it has been classified as a Variant of Uncertain Significance. This sequence change replaces asparagine, which is neutral and polar, with lysine, which is basic and polar, at codon 1843 of the TET2 protein (p.Asn1843Lys).

NM_001127208.3(TET2):c.5529C>A (p.Asn1843Lys)

Genes: TET2 (tet methylcytosine dioxygenase 2; plus strand), TET2-AS1 (TET2 antisense RNA 1; minus strand). Cytogenetic location: 4q24.
Variant type: single nucleotide variant.
Coding change: c.5529C>A on transcript NM_001127208.3 (MANE Select); coding-DNA position 5529, C replaced by A.
Protein change: p.Asn1843Lys; replaces asparagine 1843 with lysine.
Molecular consequence: missense variant.
Genome position (GRCh38, 1-based): chr4:105,276,039, C>A. VCF-style: chr4-105276039-C-A. GRCh37 (hg19) VCF-style: chr4-106197196-C-A.
Other names: short protein forms N1843K.
Identifiers: ClinVar variation 2958196 (VCV002958196.2), dbSNP rs563673467, ClinGen allele CA102738962.